The following is an entry in ClinVar:

ClinVar aggregate classification (germline): Uncertain significance. Review status: criteria provided, multiple submitters, no conflicts (2 of 4 stars). 2 submissions from 2 submitters: Uncertain significance (2). Last evaluated 2025-04-18.

Conditions:
Hereditary cancer-predisposing syndrome. Also called: Hereditary neoplastic syndrome; Neoplastic Syndromes, Hereditary; Tumor predisposition; Hereditary Cancer Syndrome. Identifiers: Orphanet 140162, MedGen C0027672, MeSH D009386, MONDO:0015356.

Allele frequency attached by ClinVar (database versions not stated): gnomAD 0.00001.
gnomAD v4.1: 1 of 1,613,400 alleles (0.000062%); highest among the groups gnomAD compares: African/African-American, 0.0013%; no homozygotes.

Submissions (2):

Labcorp Genetics (formerly Invitae), Labcorp
Classification: Uncertain significance. Last evaluated: 2025-04-18. Review status: criteria provided, single submitter. Criteria: Invitae Variant Classification Sherloc (09022015). Collection method: clinical testing. Allele origin: germline.
Comment: This sequence change replaces asparagine, which is neutral and polar, with tyrosine, which is neutral and polar, at codon 793 of the MSH3 protein (p.Asn793Tyr). This variant is present in population databases (no rsID available, gnomAD 0.01%). This variant has not been reported in the literature in individuals affected with MSH3-related conditions. ClinVar contains an entry for this variant (Variation ID: 1004256). An algorithm developed to predict the effect of missense changes on protein structure and function (PolyPhen-2) suggests that this variant is likely to be disruptive. In summary, the available evidence is currently insufficient to determine the role of this variant in disease. Therefore, it has been classified as a Variant of Uncertain Significance.

Ambry Genetics
Classification: Uncertain significance for Hereditary cancer-predisposing syndrome. Last evaluated: 2024-08-02. Review status: criteria provided, single submitter. Criteria: Ambry Variant Classification Scheme 2023. Collection method: clinical testing. Allele origin: germline.
Comment: The p.N793Y variant (also known as c.2377A>T), located in coding exon 17 of the MSH3 gene, results from an A to T substitution at nucleotide position 2377. The asparagine at codon 793 is replaced by tyrosine, an amino acid with dissimilar properties. This amino acid position is well conserved in available vertebrate species. In addition, the in silico prediction for this alteration is inconclusive. Based on the available evidence, the clinical significance of this variant remains unclear.

NM_002439.5(MSH3):c.2377A>T (p.Asn793Tyr)

Gene: MSH3 (mutS homolog 3; plus strand). Cytogenetic location: 5q14.1.
Variant type: single nucleotide variant.
Coding change: c.2377A>T on transcript NM_002439.5 (MANE Select); coding-DNA position 2377, A replaced by T.
Protein change: p.Asn793Tyr; replaces asparagine 793 with tyrosine.
Molecular consequence: missense variant.
Genome position (GRCh38, 1-based): chr5:80,778,778, A>T. VCF-style: chr5-80778778-A-T. GRCh37 (hg19) VCF-style: chr5-80074597-A-T.
Other names: short protein forms N793Y.
Identifiers: ClinVar variation 1004256 (VCV001004256.11), dbSNP rs1265838949, ClinGen allele CA360281820.